The following is an entry in ClinVar:

ClinVar aggregate classification (germline): Uncertain significance (1 of 4 stars; one submission).

Submission:

Labcorp Genetics (formerly Invitae), Labcorp
Classification: Uncertain significance. Last evaluated: 2024-09-16. Review status: criteria provided, single submitter. Criteria: Invitae Variant Classification Sherloc (09022015). Collection method: clinical testing. Allele origin: germline.
Comment: This sequence change replaces glutamine, which is neutral and polar, with glutamic acid, which is acidic and polar, at codon 1913 of the CAD protein (p.Gln1913Glu). This variant is not present in population databases (gnomAD no frequency). This variant has not been reported in the literature in individuals affected with CAD-related conditions. ClinVar contains an entry for this variant (Variation ID: 1716120). An algorithm developed to predict the effect of missense changes on protein structure and function (PolyPhen-2) suggests that this variant is likely to be tolerated. In summary, the available evidence is currently insufficient to determine the role of this variant in disease. Therefore, it has been classified as a Variant of Uncertain Significance.

NM_004341.5(CAD):c.5737C>G (p.Gln1913Glu)

Gene: CAD (carbamoyl-phosphate synthetase 2, aspartate transcarbamylase, and dihydroorotase; plus strand). Cytogenetic location: 2p23.3.
Variant type: single nucleotide variant.
Coding change: c.5737C>G on transcript NM_004341.5 (MANE Select); coding-DNA position 5737, C replaced by G.
Protein change: p.Gln1913Glu; replaces glutamine 1913 with glutamic acid.
Molecular consequence: missense variant.
Genome position (GRCh38, 1-based): chr2:27,241,156, C>G. VCF-style: chr2-27241156-C-G. GRCh37 (hg19) VCF-style: chr2-27464024-C-G.
Other names: c.5548C>G, p.Gln1850Glu (NM_001306079.2); short protein forms Q1850E, Q1913E.
Identifiers: ClinVar variation 1716120 (VCV001716120.5), dbSNP rs2465362363, ClinGen allele CA346223496.